The following is an entry in ClinVar:

NM_001276270.2(MBD4):c.159G>A (p.Met53Ile)

Gene: MBD4 (methyl-CpG binding domain 4, DNA glycosylase; minus strand). Cytogenetic location: 3q21.3.
Variant type: single nucleotide variant.
Coding change: c.159G>A on transcript NM_001276270.2 (MANE Select); coding-DNA position 159, G replaced by A.
Protein change: p.Met53Ile; replaces methionine 53 with isoleucine.
Molecular consequence: missense variant.
Genome position (GRCh38, 1-based): chr3:129,437,896, C>T on the plus strand (G>A on the coding strand, the complement: MBD4 is on the minus strand). VCF-style: chr3-129437896-C-T. GRCh37 (hg19) VCF-style: chr3-129156739-C-T.
Other names: c.159G>A, p.Met53Ile (NM_001276271.2, NM_001276272.2, NM_001276273.2 and 1 more transcripts); short protein forms M53I.
Identifiers: ClinVar variation 4720331 (VCV004720331.1).
Genomic context (GRCh38, chr3:129,437,896, plus strand): 5'-CTGAGCAGAAGCGATGGGTTCTTGTAGCAAGGGATTACATTCACTGCTTCTTTTTATCAT[C>T]ATTTGTTCCTCATCTTCTCCCACTCTTTCCAATTCCATAGCAACATCTTCTTTGCTGGAA-3'
Protein context (NP_001263199.1, residues 43-63): LERVGEDEEQ[Met53Ile]MIKRSSECNP

ClinVar aggregate classification (germline): Uncertain significance (1 of 4 stars; one submission).

Submission:

Labcorp Genetics (formerly Invitae), Labcorp
Classification: Uncertain significance. Last evaluated: 2025-05-27. Review status: criteria provided, single submitter. Criteria: Invitae Variant Classification Sherloc (09022015). Collection method: clinical testing. Allele origin: germline.
Comment: This sequence change replaces methionine, which is neutral and non-polar, with isoleucine, which is neutral and non-polar, at codon 53 of the MBD4 protein (p.Met53Ile). This variant is not present in population databases (gnomAD no frequency). This variant has not been reported in the literature in individuals affected with MBD4-related conditions. An algorithm developed to predict the effect of missense changes on protein structure and function outputs the following: PolyPhen-2: "Benign". The isoleucine amino acid residue is found in multiple mammalian species, which suggests that this missense change does not adversely affect protein function. In summary, the available evidence is currently insufficient to determine the role of this variant in disease. Therefore, it has been classified as a Variant of Uncertain Significance.